The following is an entry in ClinVar:

ClinVar aggregate classification (germline): Uncertain significance (1 of 4 stars; one submission).

gnomAD v4.1: 3 of 1,613,898 alleles (0.00019%); highest among the groups gnomAD compares: Non-Finnish European, 0.00025%; no homozygotes.

Submission:

Athena Diagnostics
Classification: Uncertain significance. Last evaluated: 2024-10-23. Review status: criteria provided, single submitter. Criteria: Athena Diagnostics Criteria. Collection method: clinical testing. Allele origin: unknown.
Comment: Available data are insufficient to determine the clinical significance of the variant at this time. The frequency of this variant in the general population is uninformative in assessment of its pathogenicity. Polyphen and MutationTaster predict this amino acid change may be benign.

NM_014363.6(SACS):c.12844G>C (p.Gly4282Arg)

Gene: SACS (sacsin molecular chaperone; minus strand). Cytogenetic location: 13q12.12.
Variant type: single nucleotide variant.
Coding change: c.12844G>C on transcript NM_014363.6 (MANE Select); coding-DNA position 12844, G replaced by C.
Protein change: p.Gly4282Arg; replaces glycine 4282 with arginine.
Molecular consequence: missense variant.
Genome position (GRCh38, 1-based): chr13:23,331,032, C>G on the plus strand (G>C on the coding strand, the complement: SACS is on the minus strand). VCF-style: chr13-23331032-C-G. GRCh37 (hg19) VCF-style: chr13-23905171-C-G.
Other names: c.12403G>C, p.Gly4135Arg (NM_001278055.2); short protein forms G4135R, G4282R.
Identifiers: ClinVar variation 3571858 (VCV003571858.1).